The following is an entry in ClinVar:

NM_001374259.2(IL12RB2):c.567del (p.Glu190fs)

Gene: IL12RB2 (interleukin 12 receptor subunit beta 2; plus strand). Cytogenetic location: 1p31.3.
Variant type: Deletion.
Coding change: c.567del on transcript NM_001374259.2 (MANE Select); coding-DNA position 567, one base deleted (T; older notation c.567delT).
Protein change: p.Glu190fs; shifts the reading frame from glutamic acid 190.
Molecular consequence: frameshift variant. On other transcripts: non-coding transcript variant (2).
Genome position (GRCh38, 1-based): chr1:67,328,287, T deleted. VCF-style (leftmost placement, unchanged base first): chr1-67328286-CT-C. GRCh37 (hg19) VCF-style: chr1-67793969-CT-C.
Other names: c.567del, p.Glu190fs (NM_001258214.1, NM_001258215.1, NM_001258216.1 and 2 more transcripts); short protein forms E190fs.
Identifiers: ClinVar variation 3619973 (VCV003619973.2).
Genomic context (GRCh38, chr1:67,328,286, plus strand): 5'-GGCAGAAGCAATGTAAAGACATTTATTGTGACTATTTGGACTTTGGAATCAACCTCACCC[CT>C]GAATCACCTGAATCCAATTTCACAGCCAAGGTTACTGCTGTCAATAGTCTTGGAAGCTCC-3'

ClinVar aggregate classification (germline): Uncertain significance (1 of 4 stars; one submission).

Submission:

Labcorp Genetics (formerly Invitae), Labcorp
Classification: Uncertain significance. Last evaluated: 2024-03-09. Review status: criteria provided, single submitter. Criteria: Invitae Variant Classification Sherloc (09022015). Collection method: clinical testing. Allele origin: germline.
Comment: This sequence change creates a premature translational stop signal (p.Glu190Asnfs*32) in the IL12RB2 gene. It is expected to result in an absent or disrupted protein product. However, the current clinical and genetic evidence is not sufficient to establish whether loss-of-function variants in IL12RB2 cause disease. This variant is not present in population databases (gnomAD no frequency). This variant has not been reported in the literature in individuals affected with IL12RB2-related conditions. In summary, the available evidence is currently insufficient to determine the role of this variant in disease. Therefore, it has been classified as a Variant of Uncertain Significance.